The following continues an entry in ClinVar:

NM_001018005.2(TPM1):c.574G>A (p.Glu192Lys)

Gene: TPM1. ClinVar aggregate classification (germline): Pathogenic/Likely pathogenic. Pathogenic (15); Likely pathogenic (7).

Submissions 8 to 20 of 25:

All of Us Research Program, National Institutes of Health
Classification: Pathogenic for Hypertrophic cardiomyopathy. Last evaluated: 2024-08-23. Review status: criteria provided, single submitter. Criteria: ACMG Guidelines, 2015. Collection method: clinical testing. Allele origin: germline. Inheritance: Autosomal dominant inheritance. Observed: 1 variant allele, 1 heterozygote.
Comment: This missense variant replaces glutamic acid with lysine at codon 192 in the actin binding domain of the TPM1 protein. Computational prediction tools indicate that this variant's impact on protein structure and function is inconclusive. A functional study using engineered heart tissue derived from induced pluripotent stem cells from a carrier individual showed a phenotype consistent with hypertrophic cardiomyopathy, including hypercontractility and delayed relaxation (PMID: 34319370). This variant has been reported in over 20 unrelated individuals affected with hypertrophic cardiomyopathy (PMID: 20031602, 23396983, 23771913, 24510615, 25351510, 25524337, 25611685, 26960954, 27532257, 28615295, 33297573, 34319370). In a study of a large cohort of individuals affected with hypertrophic cardiomyopathy, this variant was observed in 13 individuals out of a total of 6179 affected individuals (PMID: 27532257). It has been shown that this variant segregates with disease in multiple affected individuals across multiple families (PMID: 26960954, 34319370; ClinVar SCV000060282.6). This variant has also been reported in an individual affected with left ventricular noncompaction (PMID: 21551322). This variant has not been identified in the general population by the Genome Aggregation Database (gnomAD). Based on the available evidence, this variant is classified as Pathogenic.

This study involves interpretation of variants in research participants for the purpose of population health screening. Participant phenotype was not available at the time of variant classification. Additional details can be found in publication PMID: 35346344, PMCID: PMC8962531

Color Diagnostics, LLC DBA Color Health
Classification: Pathogenic for Cardiomyopathy. Last evaluated: 2024-07-10. Review status: criteria provided, single submitter. Criteria: ACMG Guidelines, 2015. Collection method: clinical testing. Allele origin: germline.
Comment: This missense variant replaces glutamic acid with lysine at codon 192 in the actin binding domain of the TPM1 protein. Computational prediction tools indicate that this variant's impact on protein structure and function is inconclusive. A functional study using engineered heart tissue derived from induced pluripotent stem cells from a carrier individual showed a phenotype consistent with hypertrophic cardiomyopathy, including hypercontractility and delayed relaxation (PMID: 34319370). This variant has been reported in over 20 unrelated individuals affected with hypertrophic cardiomyopathy (PMID: 20031602, 23396983, 23771913, 24510615, 25351510, 25524337, 25611685, 26960954, 27532257, 28615295, 33297573, 34319370). In a study of a large cohort of individuals affected with hypertrophic cardiomyopathy, this variant was observed in 13 individuals out of a total of 6179 affected individuals (PMID: 27532257). It has been shown that this variant segregates with disease in multiple affected individuals across multiple families (PMID: 26960954, 34319370ClinVar SCV000060282.6). This variant has also been reported in an individual affected with left ventricular noncompaction (PMID: 21551322). This variant has not been identified in the general population by the Genome Aggregation Database (gnomAD). Based on the available evidence, this variant is classified as Pathogenic.

Blueprint Genetics
Classification: Pathogenic for TPM1-related disorders. Last evaluated: 2024-07-08. Review status: criteria provided, single submitter. Criteria: ACMG Guidelines, 2015. Collection method: clinical testing. Allele origin: germline. Affected: yes. Observed: 5 variant alleles.

Clinical Genetics Laboratory, Skane University Hospital Lund
Classification: Likely pathogenic. Last evaluated: 2023-11-21. Review status: criteria provided, single submitter. Criteria: ACMG Guidelines, 2015. Collection method: clinical testing. Allele origin: germline. Affected: yes.

Revvity Omics, Revvity
Classification: Pathogenic. Last evaluated: 2023-10-19. Review status: criteria provided, single submitter. Criteria: ACMG Guidelines, 2015. Collection method: clinical testing. Allele origin: germline.

Victorian Clinical Genetics Services, Murdoch Childrens Research Institute
Classification: Pathogenic for Hypertrophic cardiomyopathy 3. Last evaluated: 2023-07-16. Review status: criteria provided, single submitter. Criteria: ACMG Guidelines, 2015. Collection method: clinical testing. Allele origin: germline. Inheritance: Autosomal dominant inheritance. Affected: yes.
Comment: Based on the classification scheme VCGS_Germline_v1.3.4, this variant is classified as Pathogenic. Following criteria are met: 0105 - The mechanism of disease for this gene is not clearly established, although it has been suggested that that HCM is caused by gain of function missense variants while DCM is caused by loss of function missense variants (PMID: 31270709). (I) 0107 - This gene is associated with autosomal dominant disease. (I) 0112 - The condition associated with this gene has incomplete penetrance. Variants in this gene have been associated with late-onset disease or incomplete penetrance (PMIDs: 33642254; 32882290, 32731933). (I) 0200 - Variant is predicted to result in a missense amino acid change from glutamic acid to lysine. (I) 0251 - This variant is heterozygous. (I) 0301 - Variant is absent from gnomAD (both v2 and v3). (SP) 0502 - Missense variant with conflicting in silico predictions and uninformative conservation. (I) 0600 - Variant is located in the annotated tropomyosin domain (DECIPHER). (I) 0801 - This variant has very strong previous evidence of pathogenicity in unrelated individuals. This variant has been reported in multiple individuals or families with HCM and is the most common TPM1 pathogenic variant associated with HCM (ClinVar, PMIDs: 24510615, 27532257; 21551322, 26960954, 34638741). (SP) 1208 - Inheritance information is currently unavailable for this individual. (I) Legend: (SP) - Supporting Pathogenic, (I) – Information, (SB) – Supporting Benign

GeneDx
Classification: Pathogenic. Last evaluated: 2023-06-01. Review status: criteria provided, single submitter. Criteria: GeneDx Variant Classification Process June 2021. Collection method: clinical testing. Allele origin: germline. Affected: yes.
Comment: Not observed at significant frequency in large population cohorts (gnomAD); In silico analysis supports that this missense variant has a deleterious effect on protein structure/function; This variant is associated with the following publications: (PMID: 27532257, 12858563, 12860912, 25241052, 23700264, 21415410, 24510615, 20031602, 21551322, 26960954, 27639548, 21310275, 16365313, 25524337, 18409188, 23771913, 27376658, 25611685, 23396983, 24033266, 31006259, 34319370, 28193612, 35176663, 33297573, 34540771, 28615295)

Ambry Genetics
Classification: Pathogenic for Cardiovascular phenotype. Last evaluated: 2022-07-13. Review status: criteria provided, single submitter. Criteria: Ambry Variant Classification Scheme 2023. Collection method: clinical testing. Allele origin: germline.
Comment: The p.E192K pathogenic mutation (also known as c.574G>A), located in coding exon 6 of the TPM1 gene, results from a G to A substitution at nucleotide position 574. The glutamic acid at codon 192 is replaced by lysine, an amino acid with similar properties. This alteration has been reported in numerous individuals with hypertrophic cardiomyopathy (HCM) and was shown to co-segregate with disease in one family (Deva DP et al. Radiology. 2013;269:68-76; Coppini R et al. J. Am. Coll. Cardiol. 2014;64:2589-2600; Kapplinger JD et al. J Cardiovasc Transl Res. 2014;7:347-61; Lopes LR et al. Heart. 2015;101:294-301; Mango R et al. Circ. J. 2016;80:938-49; Ross SB et al. Circ Cardiovasc Genet. 2017;10(3):e001671; Walsh R et al. Genet. Med. 2017;19:192-203). This variant has also been detected in one patient with left ventricular noncompaction (LVNC) (Probst S et al. Circ Cardiovasc Genet. 2011;4:367-74). This missense alteration is located in a region that has a low rate of benign missense variation (Lek M et al. Nature. 2016 Aug 18;536(7616):285-91; DECIPHER: Database of Chromosomal Imbalance and Phenotype in Humans using Ensembl Resources. Firth H.V. et al. 2009. Am.J.Hum.Genet. 84, 524-533 (DOI)). This variant is considered to be rare based on population cohorts in the Genome Aggregation Database (gnomAD). In addition, this alteration is predicted to be deleterious by BayesDel in silico analysis. Based on the supporting evidence, this alteration is interpreted as a disease-causing mutation.

CHEO Genetics Diagnostic Laboratory, Children's Hospital of Eastern Ontario
Classification: Pathogenic for Cardiomyopathy. Last evaluated: 2021-10-13. Review status: criteria provided, single submitter. Criteria: ACMG Guidelines, 2015. Collection method: clinical testing. Allele origin: germline.

AiLife Diagnostics
Classification: Likely pathogenic. Last evaluated: 2021-05-28. Review status: criteria provided, single submitter. Criteria: ACMG Guidelines, 2015. Collection method: clinical testing. Allele origin: germline. Affected: yes. Observed: 1 variant allele.

Phosphorus, Inc.
Classification: Pathogenic for Hypertrophic cardiomyopathy 3. Last evaluated: 2017-08-01. Review status: criteria provided, single submitter. Criteria: ACMG Guidelines, 2015. Collection method: clinical testing. Allele origin: germline. Observed: 1 variant allele.

Agnes Ginges Centre for Molecular Cardiology, Centenary Institute
Classification: Pathogenic for Hypertrophic cardiomyopathy 3. Last evaluated: 2017-03-21. Review status: criteria provided, single submitter. Criteria: ACMG Guidelines, 2015. Collection method: research. Allele origin: germline. Affected: yes.
Comment: This TPM1 Glu192Lys has since been identified in numerous HCM cases and co-segregated in affected family members (Ho CY, et al., 2009; Probst S, et al., 2011; Deva DP, et al., 2013; Kapplinger JD, et al., 2014; Mango R, et al., 2016; ClinVar:SCV000209318, SCV000220120). Interestingly, Mango et al., (2016) identified this variant co-segregating with HCM in 4 affected family members who also had signs of Brugada Syndrome. Furthermore, this variant is absent in population databases including the Exome Aggregation Consortium dataset. Glutamic acid (Glu) at position 192 is highly conserved across distantly related species and in silico tools (SIFT, MutationTaster, PolyPhen-2) predict this variant to be disease-causing. In summary, based on its absence in the general population, observation in multiple unrelated HCM cases, strong segregation data and in silico predictions, we classify TPM1 Glu192Lys as "pathogenic".

Stanford Center for Inherited Cardiovascular Disease, Stanford University
Classification: Likely pathogenic. Last evaluated: 2016-08-05. Review status: criteria provided, single submitter. Criteria: ACMG Guidelines, 2015. Collection method: provider interpretation. Allele origin: germline.